The following is an entry in ClinVar:

NM_001297.5(CNGB1):c.2153G>C (p.Gly718Ala)

Gene: CNGB1 (cyclic nucleotide gated channel subunit beta 1; minus strand). Cytogenetic location: 16q21.
Variant type: single nucleotide variant.
Coding change: c.2153G>C on transcript NM_001297.5 (MANE Select); coding-DNA position 2153, G replaced by C.
Protein change: p.Gly718Ala; replaces glycine 718 with alanine.
Molecular consequence: missense variant.
Genome position (GRCh38, 1-based): chr16:57,917,281, C>G on the plus strand (G>C on the coding strand, the complement: CNGB1 is on the minus strand). VCF-style: chr16-57917281-C-G. GRCh37 (hg19) VCF-style: chr16-57951185-C-G.
Other names: c.2135G>C, p.Gly712Ala (NM_001286130.2); short protein forms G718A, G712A.
Identifiers: ClinVar variation 855863 (VCV000855863.11), dbSNP rs201909863, ClinGen allele CA8083165.

ClinVar aggregate classification (germline): Conflicting classifications of pathogenicity. Review status: criteria provided, conflicting classifications (1 of 4 stars). 5 submissions from 5 submitters: Uncertain significance (4); Likely benign (1). Last evaluated 2026-08-11.

Conditions:
CNGB1-related disorder. Also called: CNGB1-related condition.

Allele frequency attached by ClinVar (database versions not stated): 1000 Genomes Project 0.00060; ExAC 0.00011; gnomAD exomes 0.00012; ESP Exome Variant Server 0.00024; gnomAD 0.00036 and 0.00039; TOPMed 0.00040; 1000 Genomes Project 30x 0.00047.
gnomAD v4.1: 237 of 1,613,824 alleles (0.015%); highest among the groups gnomAD compares: Middle Eastern, 0.31%; 2 homozygotes.

Submissions (5):

PreventionGenetics, part of Exact Sciences
Classification: Uncertain significance for CNGB1-related condition. Last evaluated: 2026-08-11. Review status: criteria provided, single submitter. Criteria: ACMG Guidelines, 2015. Collection method: clinical testing. Allele origin: germline.
Comment: The CNGB1 c.2153G>C variant is predicted to result in the amino acid substitution p.Gly718Ala. This variant was reported, with or without other variants in the same gene, in individuals with retinal dystrophy (Bernardis et al. 2016. PubMed ID: 28127548; supplementary data, Mihalich et al. 2024. PubMed ID: 38927702; supplementary data, Maggi et al. 2024. PubMed ID: 38928247). However, this variant is reported in 0.091% of alleles in individuals of African descent in gnomAD, which may be too frequent to be a primary cause of disease. Although we suspect that this variant may be benign, at this time, the clinical significance of this variant is uncertain due to the absence of conclusive functional and genetic evidence.

Women's Health and Genetics/Laboratory Corporation of America, LabCorp
Classification: Likely benign. Last evaluated: 2025-10-07. Review status: criteria provided, single submitter. Criteria: LabCorp Variant Classification Summary - May 2015. Collection method: clinical testing. Allele origin: germline.
Comment: Variant summary: CNGB1 c.2153G>C (p.Gly718Ala) results in a non-conservative amino acid change in the encoded protein sequence. Algorithms developed to predict the effect of missense changes on protein structure and function are either unavailable or do not agree on the potential impact of this missense change. The variant allele was found at a frequency of 0.00015 in 1613824 control chromosomes, predominantly at a frequency of 0.0016 within the African or African-American subpopulation in the gnomAD database, including 1 homozygote. The observed variant frequency within African or African-American control individuals in the gnomAD database exceeds the estimated maximal expected allele frequency for disease-causing variants in CNGB1. c.2153G>C has been observed in individuals affected with Inherited Retinal Dystrophies, without strong evidence for causality (Bernardis_2016, Mihalich_2024, Maggi_2024). These reports do not provide unequivocal conclusions about association of the variant with Retinitis Pigmentosa. To our knowledge, no experimental evidence demonstrating an impact on protein function has been reported. The following publications have been ascertained in the context of this evaluation (PMID: 28127548, 38928247, 38927702). ClinVar contains an entry for this variant (Variation ID: 855863). Based on the evidence outlined above, the variant was classified as likely benign.

Labcorp Genetics (formerly Invitae), Labcorp
Classification: Uncertain significance. Last evaluated: 2025-01-15. Review status: criteria provided, single submitter. Criteria: Invitae Variant Classification Sherloc (09022015). Collection method: clinical testing. Allele origin: germline.
Comment: This sequence change replaces glycine, which is neutral and non-polar, with alanine, which is neutral and non-polar, at codon 718 of the CNGB1 protein (p.Gly718Ala). This variant is present in population databases (rs201909863, gnomAD 0.09%). This missense change has been observed in individual(s) with CNGB1-related conditions (PMID: 28127548, 38927702). ClinVar contains an entry for this variant (Variation ID: 855863). Invitae Evidence Modeling of protein sequence and biophysical properties (such as structural, functional, and spatial information, amino acid conservation, physicochemical variation, residue mobility, and thermodynamic stability) indicates that this missense variant is not expected to disrupt CNGB1 protein function with a negative predictive value of 80%. In summary, the available evidence is currently insufficient to determine the role of this variant in disease. Therefore, it has been classified as a Variant of Uncertain Significance.

Blueprint Genetics
Classification: Uncertain significance. Last evaluated: 2024-10-04. Review status: criteria provided, single submitter. Criteria: ACMG Guidelines, 2015. Collection method: clinical testing. Allele origin: germline.

Breakthrough Genomics
Classification: Uncertain significance. Review status: criteria provided, single submitter. Criteria: ACMG Guidelines, 2015. Collection method: not provided. Allele origin: germline. Inheritance: Autosomal recessive inheritance. Affected: yes.

Literature cited by the submitters: PubMed 28127548 (cited by Women's Health and Genetics/Laboratory Corporation of America, LabCorp and Labcorp Genetics (formerly Invitae), Labcorp); PubMed 38927702 (cited by Women's Health and Genetics/Laboratory Corporation of America, LabCorp and Labcorp Genetics (formerly Invitae), Labcorp); PubMed 38928247 (cited by Women's Health and Genetics/Laboratory Corporation of America, LabCorp).